The following is an entry in ClinVar:

ClinVar aggregate classification (germline): Uncertain significance (1 of 4 stars; one submission).

gnomAD v4.1: 1 of 1,613,876 alleles (0.000062%); highest among the groups gnomAD compares: South Asian, 0.0011%; no homozygotes.

Submission:

Labcorp Genetics (formerly Invitae), Labcorp
Classification: Uncertain significance. Last evaluated: 2023-08-17. Review status: criteria provided, single submitter. Criteria: Invitae Variant Classification Sherloc (09022015). Collection method: clinical testing. Allele origin: germline.
Comment: In summary, the available evidence is currently insufficient to determine the role of this variant in disease. Therefore, it has been classified as a Variant of Uncertain Significance. Experimental studies and prediction algorithms are not available or were not evaluated, and the functional significance of this variant is currently unknown. This variant has not been reported in the literature in individuals affected with SAMD9L-related conditions. This variant is not present in population databases (gnomAD no frequency). This sequence change creates a premature translational stop signal (p.Tyr1189*) in the SAMD9L gene. While this is not anticipated to result in nonsense mediated decay, it is expected to disrupt the last 396 amino acid(s) of the SAMD9L protein.

NM_152703.5(SAMD9L):c.3567T>G (p.Tyr1189Ter)

Gene: SAMD9L (sterile alpha motif domain containing 9 like; minus strand). Cytogenetic location: 7q21.2.
Variant type: single nucleotide variant.
Coding change: c.3567T>G on transcript NM_152703.5 (MANE Select); coding-DNA position 3567, T replaced by G.
Protein change: p.Tyr1189Ter; replaces tyrosine 1189 with a stop codon.
Molecular consequence: nonsense.
Genome position (GRCh38, 1-based): chr7:93,132,405, A>C on the plus strand (T>G on the coding strand, the complement: SAMD9L is on the minus strand). VCF-style: chr7-93132405-A-C. GRCh37 (hg19) VCF-style: chr7-92761718-A-C.
Other names: c.3567T>G, p.Tyr1189Ter (NM_001303496.3, NM_001303497.3, NM_001303498.3 and 5 more transcripts); short protein forms Y1189*.
Identifiers: ClinVar variation 2747412 (VCV002747412.3), dbSNP rs139124790, ClinGen allele CA368181601.
Genomic context (GRCh38, chr7:93,132,405, plus strand): 5'-CTGGATAGTGTAAAGACCAACTTCTATTTCACCCAAGAAACAAGCTGTGTTATACATGTC[A>C]TATCGTCTCTGGGACTTCTGTGGTGACCAGTTCTCGGTTTCATAGTTTTTACTATCAGTT-3'